The following is an entry in ClinVar:

NM_003072.5(SMARCA4):c.477C>T (p.Pro159=)

Gene: SMARCA4 (SWI/SNF related BAF chromatin remodeling complex subunit ATPase 4; plus strand). Cytogenetic location: 19p13.2.
Variant type: single nucleotide variant.
Coding change: c.477C>T on transcript NM_003072.5 (MANE Select); coding-DNA position 477, C replaced by T.
Protein change: p.Pro159=; no amino-acid change (proline 159 retained).
Molecular consequence: synonymous variant. On other transcripts: non-coding transcript variant (1).
Genome position (GRCh38, 1-based): chr19:10,986,310, C>T. VCF-style: chr19-10986310-C-T. GRCh37 (hg19) VCF-style: chr19-11096986-C-T.
Other names: c.477C>T, p.Pro159= (NM_001128844.3, NM_001128845.2, NM_001128846.2 and 5 more transcripts).
Identifiers: ClinVar variation 484887 (VCV000484887.17), dbSNP rs1245617538, ClinGen allele CA505743877.

ClinVar aggregate classification (germline): Benign/Likely benign. Review status: criteria provided, multiple submitters, no conflicts (2 of 4 stars). 3 submissions from 3 submitters: Benign (1); Likely benign (2). Last evaluated 2026-07-09.

Conditions:
Hereditary cancer-predisposing syndrome. Also called: Tumor predisposition; Neoplastic Syndromes, Hereditary; Hereditary Cancer Syndrome; Hereditary neoplastic syndrome. Identifiers: Orphanet 140162, MedGen C0027672, MeSH D009386, MONDO:0015356.
Rhabdoid tumor predisposition syndrome 2 (RTPS2). Identifiers: Orphanet 231108, Orphanet 69077, MedGen C2750074, MONDO:0013224, OMIM 613325.

Allele frequency attached by ClinVar (database versions not stated): gnomAD 0.00001; gnomAD exomes 0.00001.

Submissions (3):

Myriad Genetics, Inc.
Classification: Benign for Rhabdoid tumor predisposition syndrome 2. Last evaluated: 2026-07-09. Review status: criteria provided, single submitter. Criteria: Myriad Autosomal Dominant, Autosomal Recessive and X-Linked Classification Criteria (2023). Collection method: clinical testing. Allele origin: unknown.
Comment: This variant is considered benign. This variant is a silent/synonymous amino acid change and it is not expected to impact splicing.

Labcorp Genetics (formerly Invitae), Labcorp
Classification: Likely benign for Rhabdoid tumor predisposition syndrome 2. Last evaluated: 2026-01-12. Review status: criteria provided, single submitter. Criteria: Invitae Variant Classification Sherloc (09022015). Collection method: clinical testing. Allele origin: germline.

Ambry Genetics
Classification: Likely benign for Hereditary cancer-predisposing syndrome. Last evaluated: 2016-02-19. Review status: criteria provided, single submitter. Criteria: Ambry Variant Classification Scheme 2023. Collection method: clinical testing. Allele origin: germline.